The following is an entry in ClinVar:

ClinVar aggregate classification (germline): Pathogenic (1 of 4 stars; one submission).

Conditions:
Neurofibromatosis, type 1 (NF1). Also called: NEUROFIBROMATOSIS, TYPE I, SOMATIC; VON RECKLINGHAUSEN DISEASE; Peripheral type neurofibromatosis; Neurofibromatosis, type I. Identifiers: Orphanet 636, MedGen C0027831, MONDO:0018975, OMIM 162200. Disease mechanism: loss of function.

Submission:

Labcorp Genetics (formerly Invitae), Labcorp
Classification: Pathogenic for Neurofibromatosis, type 1. Last evaluated: 2024-06-11. Review status: criteria provided, single submitter. Criteria: Invitae Variant Classification Sherloc (09022015). Collection method: clinical testing. Allele origin: germline.
Comment: This sequence change inserts a large fragment of DNA, likely a transposable element, in exon 45 of the NF1 gene (c.6852_6853ins?), causing a frameshift at codon 2285 (p.Asn2285fs). The exact size and sequence of the insertion cannot be determined by the current assay. However, the insertion is expected to result in an absent or disrupted protein product. This variant is not present in population databases (gnomAD no frequency). This variant has not been reported in the literature in individuals affected with NF1-related conditions. Retrotransposon insertions including LINE1 (L1), Alu, and SVA (SINE-VNTR-Alu) have been reported to be disease-causing through disruption of either a coding region or splice site (PMID: 19763152, 20307669, 22406018) and loss-of-function variants in NF1 are known to be pathogenic (PMID: 10712197, 23913538). For these reasons, this variant has been classified as Pathogenic.

Literature cited by the submitters: PubMed 19763152; PubMed 20307669; PubMed 22406018; PubMed 10712197; PubMed 23913538.

NM_001042492.3(NF1):c.6915_6916insTTTTTTTTTTTTTTTTTTTTNNNNNNNNNNCATGATCCACCCGCCTCGGCCTCCCAAAGTGCTGGGATTACAGGCGTGAGCCACCGCGCCCGGCCAGCCACTTCTT (p.Asn2306delinsPhePhePhePhePhePheXaaXaaXaaXaaHisAspProProAlaSerAlaSerGlnSerAlaGlyIleThrGlyValSerHisArgAlaArgProAlaThrSerTer)

Gene: NF1 (neurofibromin 1; plus strand). Cytogenetic location: 17q11.2.
Variant type: Insertion.
Coding change: c.6915_6916insTTTTTTTTTTTTTTTTTTTTNNNNNNNNNNCATGATCCACCCGCCTCGGCCTCCCAAAGTGCTGGGATTACAGGCGTGAGCCACCGCGCCCGGCCAGCCACTTCTT on transcript NM_001042492.3 (MANE Select); coding-DNA positions 6915 to 6916, TTTTTTTTTTTTTTTTTTTTNNNNNNNNNNCATGATCCACCCGCCTCGGCCTCCCAAAGTGCTGGGATTACAGGCGTGAGCCACCGCGCCCGGCCAGCCACTTCTT inserted.
Protein change: p.Asn2306delinsPhePhePhePhePhePheXaaXaaXaaXaaHisAspProProAlaSerAlaSerGlnSerAlaGlyIleThrGlyValSerHisArgAlaArgProAlaThrSerTer.
Molecular consequence: nonsense. On other transcripts: frameshift variant (1).
Genome position: GRCh38: chr17:31,338,799-31,338,800. GRCh37 (hg19): chr17:29,665,817-29,665,818.
Other names: c.6852_6853insTTTTTTTTTTTTTTTTTTTTNNNNNNNNNNCATGATCCACCCGCCTCGGCCTCCCAAAGTGCTGGGATTACAGGCGTGAGCCACCGCGCCCGGCCAGCCACTTCTT, p.Asn2285Phefs (NM_000267.4).
Identifiers: ClinVar variation 1452455 (VCV001452455.6), dbSNP rs2151559369.